The following is an entry in ClinVar:

ClinVar aggregate classification (germline): Benign. Review status: criteria provided, multiple submitters, no conflicts (2 of 4 stars). 4 submissions from 4 submitters: Benign (4). Last evaluated 2026-01-18.

Conditions:
Hypomaturation-hypoplastic amelogenesis imperfecta with taurodontism. Also called: Amelogenesis imperfecta, type IV. Identifiers: Orphanet 100034, Orphanet 88661, MedGen C1863012, MONDO:0007093, OMIM 104510. Disease mechanism: loss of function.

Allele frequency attached by ClinVar (database versions not stated): TOPMed 0.00717; ESP Exome Variant Server 0.00823; gnomAD 0.00824; 1000 Genomes Project 0.00938; ExAC 0.00981; 1000 Genomes Project 30x 0.00999.
gnomAD v4.1: 17,095 of 1,614,056 alleles (1.1%); highest among the groups gnomAD compares: South Asian, 1.9%; 127 homozygotes.

Submissions (4):

Labcorp Genetics (formerly Invitae), Labcorp
Classification: Benign. Last evaluated: 2026-01-18. Review status: criteria provided, single submitter. Criteria: Invitae Variant Classification Sherloc (09022015). Collection method: clinical testing. Allele origin: germline.

Illumina Laboratory Services, Illumina
Classification: Benign for Hypomaturation-hypoplastic amelogenesis imperfecta with taurodontism. Last evaluated: 2018-01-12. Review status: criteria provided, single submitter. Criteria: ICSL Variant Classification Criteria 13 December 2019. Collection method: clinical testing. Allele origin: germline.
Comment: This variant was observed in the ICSL laboratory as part of a predisposition screen in an ostensibly healthy population. It had not been previously curated by ICSL or reported in the Human Gene Mutation Database (HGMD: prior to June 1st, 2018), and was therefore a candidate for classification through an automated scoring system. Utilizing variant allele frequency, disease prevalence and penetrance estimates, and inheritance mode, an automated score was calculated to assess if this variant is too frequent to cause the disease. Based on the score and internal cut-off values, a variant classified as benign is not then subjected to further curation. The score for this variant resulted in a classification of benign for this disease.

Eurofins Ntd Llc (ga)
Classification: Benign. Last evaluated: 2016-12-21. Review status: criteria provided, single submitter. Criteria: EGL Classification Definitions 2015. Collection method: clinical testing. Allele origin: germline. Observed: 1 variant allele, 1 heterozygote.

Breakthrough Genomics
Classification: Benign. Review status: criteria provided, single submitter. Criteria: ACMG Guidelines, 2015. Collection method: not provided. Allele origin: germline. Inheritance: Autosomal dominant inheritance. Affected: yes.

NM_005220.3(DLX3):c.582G>A (p.Pro194=)

Gene: DLX3 (distal-less homeobox 3; minus strand). Cytogenetic location: 17q21.33.
Variant type: single nucleotide variant.
Coding change: c.582G>A on transcript NM_005220.3 (MANE Select); coding-DNA position 582, G replaced by A.
Protein change: p.Pro194=; no amino-acid change (proline 194 retained).
Molecular consequence: synonymous variant.
Genome position (GRCh38, 1-based): chr17:49,991,799, C>T on the plus strand (G>A on the coding strand, the complement: DLX3 is on the minus strand). VCF-style: chr17-49991799-C-T. GRCh37 (hg19) VCF-style: chr17-48069163-C-T.
Identifiers: ClinVar variation 324023 (VCV000324023.18), dbSNP rs11868203, ClinGen allele CA8640985.